The following is an entry in ClinVar:

NM_000273.3(GPR143):c.251-2A>G

Gene: GPR143 (G protein-coupled receptor 143; minus strand). Cytogenetic location: Xp22.2.
Variant type: single nucleotide variant.
Coding change: c.251-2A>G on transcript NM_000273.3 (MANE Select); the canonical splice acceptor site of the intron before coding-DNA position 251, A replaced by G.
Molecular consequence: splice acceptor variant.
Genome position (GRCh38, 1-based): chrX:9,760,828, T>C on the plus strand (A>G on the coding strand, the complement: GPR143 is on the minus strand). VCF-style: chrX-9760828-T-C. GRCh37 (hg19) VCF-style: chrX-9728868-T-C.
Other names: c.251-2A>G (NM_001440781.1).
Identifiers: ClinVar variation 4734882 (VCV004734882.1).

ClinVar aggregate classification (germline): Pathogenic (1 of 4 stars; one submission).

Submission:

Labcorp Genetics (formerly Invitae), Labcorp
Classification: Pathogenic. Last evaluated: 2026-01-07. Review status: criteria provided, single submitter. Criteria: Invitae Variant Classification Sherloc (09022015). Collection method: clinical testing. Allele origin: germline.
Comment: This sequence change affects an acceptor splice site in intron 1 of the GPR143 gene. It is expected to disrupt RNA splicing. Variants that disrupt the donor or acceptor splice site typically lead to a loss of protein function (PMID: 16199547), and loss-of-function variants in GPR143 are known to be pathogenic (PMID: 15965158, 18978956, 19390656, 21541274, 26160353, 28211458). This variant is not present in population databases (gnomAD no frequency). Disruption of this splice site has been observed in individual(s) with clinical features of ocular albinism (internal data). Algorithms developed to predict the effect of sequence changes on RNA splicing suggest that this variant may disrupt the consensus splice site. For these reasons, this variant has been classified as Pathogenic.

Literature cited by the submitters: PubMed 16199547; PubMed 15965158; PubMed 18978956; PubMed 19390656; PubMed 21541274; PubMed 26160353; PubMed 28211458.